The following is an entry in ClinVar:

ClinVar aggregate classification (germline): Likely benign. Review status: criteria provided, multiple submitters, no conflicts (2 of 4 stars). 3 submissions from 3 submitters: Likely benign (3). Last evaluated 2025-12-04.

Conditions:
Breast-ovarian cancer, familial, susceptibility to, 1 (BROVCA1). Also called: BRCA1 Hereditary Breast and Ovarian Cancer; OVARIAN CANCER, SUSCEPTIBILITY TO. Identifiers: Orphanet 145, MedGen C2676676, MONDO:0011450, OMIM 604370. Disease mechanism: loss of function.
Hereditary breast ovarian cancer syndrome. Also called: Breast and ovarian cancer; Hereditary breast and ovarian cancer; Hereditary breast and ovarian cancer syndrome; Hereditary breast and/or ovarian cancer syndrome; BRCA1- and BRCA2-Associated Hereditary Breast and Ovarian Cancer; Hereditary breast and ovarian cancer syndrome (HBOC). Identifiers: Orphanet 145, MedGen C0677776, MeSH D061325, MONDO:0003582. Disease mechanism: loss of function.

Allele frequency attached by ClinVar (database versions not stated): TOPMed below 0.00001.

Submissions (4):

Myriad Genetics, Inc.
Classification: Likely benign for Breast-ovarian cancer, familial, susceptibility to, 1. Last evaluated: 2025-12-04. Review status: criteria provided, single submitter. Criteria: Myriad Autosomal Dominant, Autosomal Recessive and X-Linked Classification Criteria (2023). Collection method: clinical testing. Allele origin: unknown.
Comment: This variant is considered likely benign. This variant is intronic and is not expected to impact mRNA splicing. This variant is strongly associated with less severe personal and family histories of cancer, typical for individuals without pathogenic variants in this gene [PMID: 25085752].

Labcorp Genetics (formerly Invitae), Labcorp
Classification: Likely benign for Hereditary breast ovarian cancer syndrome. Last evaluated: 2025-11-25. Review status: criteria provided, single submitter. Criteria: Invitae Variant Classification Sherloc (09022015). Collection method: clinical testing. Allele origin: germline.

Women's Health and Genetics/Laboratory Corporation of America, LabCorp
Classification: Likely benign. Last evaluated: 2024-12-02. Review status: criteria provided, single submitter. Criteria: LabCorp Variant Classification Summary - May 2015. Collection method: clinical testing. Allele origin: germline.
Comment: Variant summary: BRCA1 c.81-18C>A alters a non-conserved nucleotide located at a position not widely known to affect splicing. Computational tools predict a significant impact on normal splicing: Three predict the variant weakens a 3' acceptor site. One predict the variant no significant impact on splicing. However, a splicing reporter minigene assay foudn no splicing defect (Thery_2011). The variant was absent in 244314 control chromosomes (gnomAD). The available data on variant occurrences in the general population are insufficient to allow any conclusion about variant significance. c.81-18C>A has been reported in the literature in an individual affected with Breast Cancer without strong evidence of causality (Tung_2015). This report does not provide unequivocal conclusions about association of the variant with Hereditary Breast And Ovarian Cancer Syndrome. At least one functional study reports experimental evidence evaluating an impact on protein function and showed no damaging effect of this variant on homology directed repair (HDR) activity (e.g. Findlay_2018). HDR assays qualify as a recognized gold standard on the basis of updated guidance provided by the ClinGen Sequence Variant Interpretation (SVI) working group. The following publications have been ascertained in the context of this evaluation (PMID: 21673748, 25186627, 30209399). ClinVar contains an entry for this variant (Variation ID: 220462). Based on the evidence outlined above, the variant was classified as likely benign.

Brotman Baty Institute, University of Washington
No classification provided (evidence only). Condition: Breast-ovarian cancer, familial 1. Review status: no classification provided. Collection method: in vitro. Allele origin: not applicable. Functional consequence: functionally_normal. Not counted in ClinVar's aggregate classification.
ClinVar note: "not provided" was previously submitted as the classification for the variant. However, the classification appeared to be based only on an observation of functional data so it was converted to no classification on 2025-07-30.

Literature cited by the submitters: PubMed 25085752 (cited by Myriad Genetics, Inc.); PubMed 21673748 (cited by Women's Health and Genetics/Laboratory Corporation of America, LabCorp); PubMed 25186627 (cited by Women's Health and Genetics/Laboratory Corporation of America, LabCorp); PubMed 30209399 (cited by Women's Health and Genetics/Laboratory Corporation of America, LabCorp).

NM_007294.4(BRCA1):c.81-18C>A

Gene: BRCA1 (BRCA1 DNA repair associated; minus strand). Cytogenetic location: 17q21.31.
Variant type: single nucleotide variant.
Coding change: c.81-18C>A on transcript NM_007294.4 (MANE Select); 18 bases into the intron before coding-DNA position 81, C replaced by A.
Molecular consequence: intron variant.
Genome position (GRCh38, 1-based): chr17:43,115,797, G>T on the plus strand (C>A on the coding strand, the complement: BRCA1 is on the minus strand). VCF-style: chr17-43115797-G-T. GRCh37 (hg19) VCF-style: chr17-41267814-G-T.
Other names: c.-8+8220C>A (NM_001407928.1, NM_001407925.1, NM_001408467.1 and 23 more transcripts); c.81-18C>A (NM_001408475.1, NM_001407875.1, NM_001407659.1 and 191 more transcripts); c.-108-18C>A (NM_001408509.1, NM_001408508.1, NM_001408491.1 and 52 more transcripts); c.-224-18C>A (NM_001408492.1, NM_001407889.1, NM_001407900.1); c.-177-18C>A (NM_001408468.1, NM_001407842.1, NM_001407749.1 and 13 more transcripts); c.-181-18C>A (NM_001407695.1, NM_001408465.1); c.-61-18C>A (NM_001407846.1, NM_001408503.1, NM_001407943.1 and 47 more transcripts); c.-8+5761C>A (NM_001407726.1, NM_001407751.1); and 10 more.
Identifiers: ClinVar variation 220462 (VCV000220462.25), dbSNP rs864622534, ClinGen allele CA348564.